The following is an entry in ClinVar:

NM_004130.4(GYG1):c.143+3G>T

Gene: GYG1 (glycogenin 1; plus strand). Cytogenetic location: 3q24.
Variant type: single nucleotide variant.
Coding change: c.143+3G>T on transcript NM_004130.4 (MANE Select); 3 bases into the intron after coding-DNA position 143, G replaced by T.
Molecular consequence: intron variant.
Genome position (GRCh38, 1-based): chr3:148,994,280, G>T. VCF-style: chr3-148994280-G-T. GRCh37 (hg19) VCF-style: chr3-148712067-G-T.
Other names: c.143+3G>T (NM_001184720.2, NM_001184721.2).
Identifiers: ClinVar variation 1938555 (VCV001938555.4), dbSNP rs370652040, ClinGen allele CA2658468.

ClinVar aggregate classification (germline): Uncertain significance (1 of 4 stars; one submission).

Conditions:
Polyglucosan body myopathy type 2. Identifiers: Orphanet 456369, MedGen C4015452, MONDO:0014526, OMIM 616199.
Glycogen storage disease XV (GSD15). Also called: GLYCOGENIN DEFICIENCY; GSD XV. Identifiers: Orphanet 263297, MedGen C3150754, MONDO:0013291, OMIM 613507.

gnomAD v4.1: 3 of 1,613,884 alleles (0.00019%); highest among the groups gnomAD compares: East Asian, 0.0067%; no homozygotes.

Submission:

Labcorp Genetics (formerly Invitae), Labcorp
Classification: Uncertain significance for Polyglucosan body myopathy type 2; Glycogen storage disease XV. Last evaluated: 2021-12-28. Review status: criteria provided, single submitter. Criteria: Invitae Variant Classification Sherloc (09022015). Collection method: clinical testing. Allele origin: germline.
Comment: This sequence change falls in intron 2 of the GYG1 gene. It does not directly change the encoded amino acid sequence of the GYG1 protein. It affects a nucleotide within the consensus splice site. This variant is present in population databases (rs370652040, gnomAD 0.02%). This variant has not been reported in the literature in individuals affected with GYG1-related conditions. Variants that disrupt the consensus splice site are a relatively common cause of aberrant splicing (PMID: 17576681, 9536098). Algorithms developed to predict the effect of sequence changes on RNA splicing suggest that this variant may disrupt the consensus splice site. This variant disrupts the c.143+3G nucleotide in the GYG1 gene. Other variant(s) that disrupt this nucleotide have been determined to be pathogenic (PMID: 25272951, 26652229, 29264399). This suggests that this nucleotide is clinically significant, and that variants that disrupt this position are likely to be disease-causing. In summary, the available evidence is currently insufficient to determine the role of this variant in disease. Therefore, it has been classified as a Variant of Uncertain Significance.

Literature cited by the submitters: PubMed 17576681; PubMed 9536098; PubMed 25272951; PubMed 26652229; PubMed 29264399.